The following is an entry in ClinVar:

ClinVar aggregate classification (germline): Uncertain significance (1 of 4 stars; one submission).

Conditions:
Cardiovascular phenotype. Identifiers: MedGen CN230736.

Submission:

Ambry Genetics
Classification: Uncertain significance for Cardiovascular phenotype. Last evaluated: 2021-07-04. Review status: criteria provided, single submitter. Criteria: Ambry Variant Classification Scheme 2023. Collection method: clinical testing. Allele origin: germline.
Comment: The p.I639V variant (also known as c.1915A>G), located in coding exon 7 of the KCNH2 gene, results from an A to G substitution at nucleotide position 1915. The isoleucine at codon 639 is replaced by valine, an amino acid with highly similar properties, and is located in the transmembrane domain. This amino acid position is highly conserved in available vertebrate species. In addition, this alteration is predicted to be deleterious by in silico analysis. Since supporting evidence is limited at this time, the clinical significance of this alteration remains unclear.

NM_000238.4(KCNH2):c.1915A>G (p.Ile639Val)

Gene: KCNH2 (potassium voltage-gated channel subfamily H member 2; minus strand). Cytogenetic location: 7q36.1.
Variant type: single nucleotide variant.
Coding change: c.1915A>G on transcript NM_000238.4 (MANE Select); coding-DNA position 1915, A replaced by G.
Protein change: p.Ile639Val; replaces isoleucine 639 with valine.
Molecular consequence: missense variant.
Genome position (GRCh38, 1-based): chr7:150,951,478, T>C on the plus strand (A>G on the coding strand, the complement: KCNH2 is on the minus strand). VCF-style: chr7-150951478-T-C. GRCh37 (hg19) VCF-style: chr7-150648566-T-C.
Other names: c.895A>G, p.Ile299Val (NM_001204798.2, NM_172057.3); c.1627A>G, p.Ile543Val (NM_001406753.1, NM_001406756.1); c.1738A>G, p.Ile580Val (NM_001406755.1); c.1615A>G, p.Ile539Val (NM_001406757.1); c.1915A>G, p.Ile639Val (NM_172056.3); short protein forms I539V, I299V, I639V, I543V, I580V.
Identifiers: ClinVar variation 1782570 (VCV001782570.2), dbSNP rs2486035827, ClinGen allele CA369857853.